The following is an entry in ClinVar:

ClinVar aggregate classification (germline): Uncertain significance (1 of 4 stars; one submission).

Conditions:
P2RX2-related disorder. Also called: P2RX2-related condition.

gnomAD v4.1: 6 of 1,614,072 alleles (0.00037%); highest among the groups gnomAD compares: East Asian, 0.011%; no homozygotes.

Submission:

PreventionGenetics, part of Exact Sciences
Classification: Uncertain significance for P2RX2-related condition. Last evaluated: 2025-06-17. Review status: criteria provided, single submitter. Criteria: ACMG Guidelines, 2015. Collection method: clinical testing. Allele origin: germline.
Comment: The P2RX2 c.611A>G variant is predicted to result in the amino acid substitution p.His204Arg. To our knowledge, this variant has not been reported in the literature. This variant is reported in 0.038% of alleles in individuals of East Asian descent in gnomAD. Although we suspect that this variant may be benign, at this time, the clinical significance of this variant is uncertain due to the absence of conclusive functional and genetic evidence.

NM_170682.4(P2RX2):c.611A>G (p.His204Arg)

Gene: P2RX2 (purinergic receptor P2X 2; plus strand). Cytogenetic location: 12q24.33.
Variant type: single nucleotide variant.
Coding change: c.611A>G on transcript NM_170682.4 (MANE Select); coding-DNA position 611, A replaced by G.
Protein change: p.His204Arg; replaces histidine 204 with arginine.
Molecular consequence: missense variant. On other transcripts: synonymous variant (1).
Genome position (GRCh38, 1-based): chr12:132,620,323, A>G. VCF-style: chr12-132620323-A-G. GRCh37 (hg19) VCF-style: chr12-133196909-A-G.
Other names: c.504A>G, p.Pro168= (NM_001282164.2); c.611A>G, p.His204Arg (NM_001282165.2, NM_170683.4, NM_174873.3); c.395A>G, p.His132Arg (NM_012226.5); c.539A>G, p.His180Arg (NM_016318.4); c.335A>G, p.His112Arg (NM_174872.3); short protein forms H204R, H132R, H112R, H180R.
Identifiers: ClinVar variation 4989687 (VCV004989687.1).
Genomic context (GRCh38, chr12:132,620,323, plus strand): 5'-TCAGCCAATTTCTGGGTACGATGGCCCCAAATTTCACCATCCTCATCAAGAACAGCATCC[A>G]CTACCCCAAATTCCACTTCTCCAAGTAAGAGCCGCGGGGTGTGGTGACGGCCCAGCCTGA-3'
Protein context (NP_733782.1, residues 194-214): NFTILIKNSI[His204Arg]YPKFHFSKGN